The following is an entry in ClinVar:

ClinVar aggregate classification (germline): Uncertain significance (1 of 4 stars; one submission).

gnomAD v4.1: 3 of 1,614,074 alleles (0.00019%); highest among the groups gnomAD compares: Non-Finnish European, 0.00025%; no homozygotes.

Submission:

Labcorp Genetics (formerly Invitae), Labcorp
Classification: Uncertain significance. Last evaluated: 2024-02-24. Review status: criteria provided, single submitter. Criteria: Invitae Variant Classification Sherloc (09022015). Collection method: clinical testing. Allele origin: germline.
Comment: This sequence change replaces glutamine, which is neutral and polar, with leucine, which is neutral and non-polar, at codon 689 of the DISP1 protein (p.Gln689Leu). This variant is present in population databases (no rsID available, gnomAD 0.0009%). This variant has not been reported in the literature in individuals affected with DISP1-related conditions. ClinVar contains an entry for this variant (Variation ID: 1345258). An algorithm developed to predict the effect of missense changes on protein structure and function (PolyPhen-2) suggests that this variant is likely to be tolerated. In summary, the available evidence is currently insufficient to determine the role of this variant in disease. Therefore, it has been classified as a Variant of Uncertain Significance.

NM_001377229.1(DISP1):c.2066A>T (p.Gln689Leu)

Gene: DISP1 (dispatched RND transporter family member 1; plus strand). Cytogenetic location: 1q41.
Variant type: single nucleotide variant.
Coding change: c.2066A>T on transcript NM_001377229.1 (MANE Select); coding-DNA position 2066, A replaced by T.
Protein change: p.Gln689Leu; replaces glutamine 689 with leucine.
Molecular consequence: missense variant.
Genome position (GRCh38, 1-based): chr1:223,003,463, A>T. VCF-style: chr1-223003463-A-T. GRCh37 (hg19) VCF-style: chr1-223176805-A-T.
Other names: c.2066A>T, p.Gln689Leu (NM_032890.5, NM_001369594.1, NM_001377228.1); c.1337A>T, p.Gln446Leu (NM_001350630.2); short protein forms Q446L, Q689L.
Identifiers: ClinVar variation 1345258 (VCV001345258.6), dbSNP rs773625592, ClinGen allele CA344680595.